The following is an entry in ClinVar:

ClinVar aggregate classification (germline): Uncertain significance (1 of 4 stars; one submission).

Submission:

Labcorp Genetics (formerly Invitae), Labcorp
Classification: Uncertain significance. Last evaluated: 2021-01-12. Review status: criteria provided, single submitter. Criteria: Invitae Variant Classification Sherloc (09022015). Collection method: clinical testing. Allele origin: germline.
Comment: This sequence change replaces serine with arginine at codon 2072 of the ABCA4 protein (p.Ser2072Arg). The serine residue is highly conserved and there is a moderate physicochemical difference between serine and arginine. In summary, the available evidence is currently insufficient to determine the role of this variant in disease. Therefore, it has been classified as a Variant of Uncertain Significance. Algorithms developed to predict the effect of missense changes on protein structure and function (SIFT, PolyPhen-2, Align-GVGD) all suggest that this variant is likely to be disruptive, but these predictions have not been confirmed by published functional studies and their clinical significance is uncertain. This variant has not been reported in the literature in individuals with ABCA4-related conditions. This variant is not present in population databases (ExAC no frequency).

NM_000350.3(ABCA4):c.6216T>G (p.Ser2072Arg)

Gene: ABCA4 (ATP binding cassette subfamily A member 4; minus strand). Cytogenetic location: 1p22.1.
Variant type: single nucleotide variant.
Coding change: c.6216T>G on transcript NM_000350.3 (MANE Select); coding-DNA position 6216, T replaced by G.
Protein change: p.Ser2072Arg; replaces serine 2072 with arginine.
Molecular consequence: missense variant.
Genome position (GRCh38, 1-based): chr1:94,001,924, A>C on the plus strand (T>G on the coding strand, the complement: ABCA4 is on the minus strand). VCF-style: chr1-94001924-A-C. GRCh37 (hg19) VCF-style: chr1-94467480-A-C.
Other names: c.5994T>G, p.Ser1998Arg (NM_001425324.1); short protein forms S2072R, S1998R.
Identifiers: ClinVar variation 1052322 (VCV001052322.9), dbSNP rs758795465, ClinGen allele CA341278259.